The following is an entry in ClinVar:

NM_006206.6(PDGFRA):c.2194A>C (p.Met732Leu)

Gene: PDGFRA (platelet derived growth factor receptor alpha; plus strand). Cytogenetic location: 4q12.
Variant type: single nucleotide variant.
Coding change: c.2194A>C on transcript NM_006206.6 (MANE Select); coding-DNA position 2194, A replaced by C.
Protein change: p.Met732Leu; replaces methionine 732 with leucine.
Molecular consequence: missense variant.
Genome position (GRCh38, 1-based): chr4:54,280,353, A>C. VCF-style: chr4-54280353-A-C. GRCh37 (hg19) VCF-style: chr4-55146520-A-C.
Other names: c.2194A>C, p.Met732Leu (NM_001347827.2, NM_001347829.2); c.2269A>C, p.Met757Leu (NM_001347828.2); c.2233A>C, p.Met745Leu (NM_001347830.2); short protein forms M745L, M757L, M732L.
Identifiers: ClinVar variation 1353321 (VCV001353321.6), dbSNP rs749523527, ClinGen allele CA356894273.

ClinVar aggregate classification (germline): Uncertain significance (1 of 4 stars; one submission).

Conditions:
Gastrointestinal stromal tumor. Also called: Gastrointestinal stroma tumor; Gastrointestinal stromal tumor, somatic. Identifiers: Orphanet 44890, MedGen C0238198, MeSH D046152, MONDO:0011719, OMIM 606764, HP:0100723.

Submission:

Labcorp Genetics (formerly Invitae), Labcorp
Classification: Uncertain significance for Gastrointestinal stromal tumor. Last evaluated: 2024-04-16. Review status: criteria provided, single submitter. Criteria: Invitae Variant Classification Sherloc (09022015). Collection method: clinical testing. Allele origin: germline.
Comment: This sequence change replaces methionine, which is neutral and non-polar, with leucine, which is neutral and non-polar, at codon 732 of the PDGFRA protein (p.Met732Leu). This variant is not present in population databases (gnomAD no frequency). This variant has not been reported in the literature in individuals affected with PDGFRA-related conditions. ClinVar contains an entry for this variant (Variation ID: 1353321). Advanced modeling of protein sequence and biophysical properties (such as structural, functional, and spatial information, amino acid conservation, physicochemical variation, residue mobility, and thermodynamic stability) performed at Invitae indicates that this missense variant is expected to disrupt PDGFRA protein function with a positive predictive value of 80%. In summary, the available evidence is currently insufficient to determine the role of this variant in disease. Therefore, it has been classified as a Variant of Uncertain Significance.